The following is an entry in ClinVar:

ClinVar aggregate classification (germline): Uncertain significance (1 of 4 stars; one submission).

Submission:

Labcorp Genetics (formerly Invitae), Labcorp
Classification: Uncertain significance. Last evaluated: 2022-11-15. Review status: criteria provided, single submitter. Criteria: Invitae Variant Classification Sherloc (09022015). Collection method: clinical testing. Allele origin: germline.
Comment: Advanced modeling of protein sequence and biophysical properties (such as structural, functional, and spatial information, amino acid conservation, physicochemical variation, residue mobility, and thermodynamic stability) performed at Invitae indicates that this missense variant is not expected to disrupt MYO5A protein function. This variant has not been reported in the literature in individuals affected with MYO5A-related conditions. In summary, the available evidence is currently insufficient to determine the role of this variant in disease. Therefore, it has been classified as a Variant of Uncertain Significance. This sequence change replaces lysine, which is basic and polar, with arginine, which is basic and polar, at codon 393 of the MYO5A protein (p.Lys393Arg). This variant is not present in population databases (gnomAD no frequency).

NM_001382347.1(MYO5A):c.1178A>G (p.Lys393Arg)

Gene: MYO5A (myosin VA; minus strand). Cytogenetic location: 15q21.2.
Variant type: single nucleotide variant.
Coding change: c.1178A>G on transcript NM_001382347.1 (MANE Select); coding-DNA position 1178, A replaced by G.
Protein change: p.Lys393Arg; replaces lysine 393 with arginine.
Molecular consequence: missense variant.
Genome position (GRCh38, 1-based): chr15:52,397,342, T>C on the plus strand (A>G on the coding strand, the complement: MYO5A is on the minus strand). VCF-style: chr15-52397342-T-C. GRCh37 (hg19) VCF-style: chr15-52689539-T-C.
Other names: c.1178A>G, p.Lys393Arg (NM_000259.3, NM_001142495.2, NM_001411135.1); c.1250A>G, p.Lys417Arg (NM_001382348.1, NM_001382349.1); short protein forms K417R, K393R.
Identifiers: ClinVar variation 2082168 (VCV002082168.4), dbSNP rs2042533420, ClinGen allele CA392524758.